The following is an entry in ClinVar:

NM_000135.4(FANCA):c.3608G>A (p.Gly1203Asp)

Gene: FANCA (FA complementation group A; minus strand). Cytogenetic location: 16q24.3.
Variant type: single nucleotide variant.
Coding change: c.3608G>A on transcript NM_000135.4 (MANE Select); coding-DNA position 3608, G replaced by A.
Protein change: p.Gly1203Asp; replaces glycine 1203 with aspartic acid.
Molecular consequence: missense variant.
Genome position (GRCh38, 1-based): chr16:89,744,977, C>T on the plus strand (G>A on the coding strand, the complement: FANCA is on the minus strand). VCF-style: chr16-89744977-C-T. GRCh37 (hg19) VCF-style: chr16-89811385-C-T.
Other names: c.3608G>A, p.Gly1203Asp (NM_001286167.3); short protein forms G1203D.
Identifiers: ClinVar variation 3848195 (VCV003848195.1).

ClinVar aggregate classification (germline): Uncertain significance (1 of 4 stars; one submission).

Conditions:
Inborn genetic diseases. Identifiers: MedGen C0950123, MeSH D030342.

gnomAD v4.1: 1 of 1,611,890 alleles (0.000062%); highest among the groups gnomAD compares: Admixed American, 0.0017%; no homozygotes.

Submission:

Ambry Genetics
Classification: Uncertain significance for Inborn genetic diseases. Last evaluated: 2025-02-05. Review status: criteria provided, single submitter. Criteria: Ambry Variant Classification Scheme 2023. Collection method: clinical testing. Allele origin: germline.
Comment: The p.G1203D variant (also known as c.3608G>A), located in coding exon 36 of the FANCA gene, results from a G to A substitution at nucleotide position 3608. The glycine at codon 1203 is replaced by aspartic acid, an amino acid with similar properties. This amino acid position is conserved. In addition, the in silico prediction for this alteration is inconclusive. Based on the available evidence, the clinical significance of this variant remains unclear.